The following is an entry in ClinVar:

ClinVar aggregate classification (germline): Likely benign (1 of 4 stars; one submission).

gnomAD v4.1: 1 of 1,614,082 alleles (0.000062%); highest among the groups gnomAD compares: Non-Finnish European, 0.000085%; no homozygotes.

Submission:

CeGaT Center for Human Genetics Tuebingen
Classification: Likely benign. Last evaluated: 2024-09-01. Review status: criteria provided, single submitter. Criteria: CeGaT Center For Human Genetics Tuebingen Variant Classification Criteria Version 2. Collection method: clinical testing. Allele origin: germline. Affected: yes. Observed: 1 variant allele.
Comment: SMAP2: BP4, BP7

NM_022733.3(SMAP2):c.135G>A (p.Val45=)

Gene: SMAP2 (small ArfGAP2; plus strand). Cytogenetic location: 1p34.2.
Variant type: single nucleotide variant.
Coding change: c.135G>A on transcript NM_022733.3 (MANE Select); coding-DNA position 135, G replaced by A.
Protein change: p.Val45=; no amino-acid change (valine 45 retained).
Molecular consequence: synonymous variant. On other transcripts: 5 prime UTR variant (1).
Genome position (GRCh38, 1-based): chr1:40,406,767, G>A. VCF-style: chr1-40406767-G-A. GRCh37 (hg19) VCF-style: chr1-40872439-G-A.
Other names: c.45G>A, p.Val15= (NM_001198978.2); c.120G>A, p.Val40= (NM_001198979.2); c.-106G>A (NM_001198980.1).
Identifiers: ClinVar variation 3389490 (VCV003389490.14).